The following is an entry in ClinVar:

NM_001007527.2(LMBRD2):c.370A>G (p.Ile124Val)

Gene: LMBRD2 (LMBR1 domain containing 2; minus strand). Cytogenetic location: 5p13.2.
Variant type: single nucleotide variant.
Coding change: c.370A>G on transcript NM_001007527.2 (MANE Select); coding-DNA position 370, A replaced by G.
Protein change: p.Ile124Val; replaces isoleucine 124 with valine.
Molecular consequence: missense variant.
Genome position (GRCh38, 1-based): chr5:36,137,440, T>C on the plus strand (A>G on the coding strand, the complement: LMBRD2 is on the minus strand). VCF-style: chr5-36137440-T-C. GRCh37 (hg19) VCF-style: chr5-36137542-T-C.
Other names: short protein forms I124V.
Identifiers: ClinVar variation 4756023 (VCV004756023.1).
Genomic context (GRCh38, chr5:36,137,440, plus strand): 5'-TCTTTCCAGTGATGGAAAACCCTCCTGATCTTGCATATGACTGCATAAAAGGTAAGAGAA[T>C]CCTAGATGGATAGAAAAAATATGATTAAAAACCCAAATAATTGATATGTCTGTATAATCT-3'
Protein context (NP_001007528.1, residues 114-134): VYWTSQFLTW[Ile124Val]LLPFMQSYAR

ClinVar aggregate classification (germline): Uncertain significance (1 of 4 stars; one submission).

Submission:

GeneDx
Classification: Uncertain significance. Last evaluated: 2025-08-08. Review status: criteria provided, single submitter. Criteria: GeneDx Variant Classification Process June 2021. Collection method: clinical testing. Allele origin: germline. Affected: yes.
Comment: Not observed at significant frequency in large population cohorts (gnomAD); In silico analysis suggests that this missense variant does not alter protein structure/function; Has not been previously published as pathogenic or benign to our knowledge